The following is an entry in ClinVar:

ClinVar aggregate classification (germline): Benign/Likely benign. Review status: criteria provided, multiple submitters, no conflicts (2 of 4 stars). 9 submissions from 9 submitters: Benign (1); Likely benign (7). 1 of the submissions does not count toward it. Last evaluated 2026-01-18.

Conditions:
Hypogonadotropic hypogonadism 5 with or without anosmia (KAL5). Also called: HYPOGONADOTROPIC HYPOGONADISM 5 WITH ANOSMIA; HYPOGONADOTROPHIC HYPOGONADISM 5 WITHOUT ANOSMIA; CHD7-Related GnRH Deficiency (Kallmann Syndrome 5). Identifiers: Orphanet 478, MedGen C3552553, MONDO:0012880, OMIM 612370. Disease mechanism: loss of function.
Inborn genetic diseases. Identifiers: MedGen C0950123, MeSH D030342.
CHD7-related disorder. Also called: CHD7-related condition.
CHARGE syndrome (CHARGE). Also called: CHARGE ASSOCIATION--COLOBOMA, HEART ANOMALY, CHOANAL ATRESIA, RETARDATION, GENITAL AND EAR ANOMALIES; Coloboma, heart anomaly, choanal atresia, retardation, genital and ear anomalies; CHARGE association; Hall-Hittner syndrome; Hittner Hirsch Kreh syndrome. Identifiers: Orphanet 138, MedGen C0265354, MONDO:0008965.

Allele frequency attached by ClinVar (database versions not stated): 1000 Genomes Project 30x 0.00016; TOPMed 0.00018; 1000 Genomes Project 0.00020; ESP Exome Variant Server 0.00032; gnomAD exomes 0.00033 and 0.00044; ExAC 0.00042; gnomAD 0.00044 and 0.00048.
gnomAD v4.1: 538 of 1,593,918 alleles (0.034%); highest among the groups gnomAD compares: Non-Finnish European, 0.029%; no homozygotes.

Submissions (9):

Labcorp Genetics (formerly Invitae), Labcorp
Classification: Benign for CHARGE syndrome. Last evaluated: 2026-01-18. Review status: criteria provided, single submitter. Criteria: Invitae Variant Classification Sherloc (09022015). Collection method: clinical testing. Allele origin: germline.

CeGaT Center for Human Genetics Tuebingen
Classification: Likely benign. Last evaluated: 2025-07-01. Review status: criteria provided, single submitter. Criteria: CeGaT Center For Human Genetics Tuebingen Variant Classification Criteria Version 2. Collection method: clinical testing. Allele origin: germline. Affected: yes. Observed: 8 variant alleles.
Comment: CHD7: BP4, BS2

Laboratory of Genetics, Children's Clinical University Hospital Latvia
Classification: Likely benign. Last evaluated: 2025-02-16. Review status: criteria provided, single submitter. Criteria: ACMG Guidelines, 2015. Collection method: clinical testing. Allele origin: germline. Affected: yes.

Blueprint Genetics
Classification: Likely benign. Last evaluated: 2024-11-27. Review status: criteria provided, single submitter. Criteria: ACMG Guidelines, 2015. Collection method: clinical testing. Allele origin: germline.

GeneDx
Classification: Likely benign. Last evaluated: 2021-02-01. Review status: criteria provided, single submitter. Criteria: GeneDx Variant Classification Process June 2021. Collection method: clinical testing. Allele origin: germline. Affected: yes.

Illumina Laboratory Services, Illumina
Classification: Likely benign for Kallmann Syndrome 5. Last evaluated: 2018-01-13. Review status: criteria provided, single submitter. Criteria: ICSL Variant Classification Criteria 13 December 2019. Collection method: clinical testing. Allele origin: germline.
Comment: This variant was observed in the ICSL laboratory as part of a predisposition screen in an ostensibly healthy population. It had not been previously curated by ICSL or reported in the Human Gene Mutation Database (HGMD: prior to June 1st, 2018), and was therefore a candidate for classification through an automated scoring system. Utilizing variant allele frequency, disease prevalence and penetrance estimates, and inheritance mode, an automated score was calculated to assess if this variant is too frequent to cause the disease. Based on the score and internal cut-off values, a variant classified as likely benign is not then subjected to further curation. The score for this variant resulted in a classification of likely benign for this disease.

Laboratory for Molecular Medicine, Mass General Brigham Personalized Medicine
Classification: Likely benign. Last evaluated: 2017-08-23. Review status: criteria provided, single submitter. Criteria: LMM Criteria. Collection method: clinical testing. Allele origin: germline. Observed: 1 variant allele.
Comment: p.Lys2517Lys in exon 34 of CHD7: This variant is not expected to have clinical s ignificance because it does not alter an amino acid residue and is not located w ithin the splice consensus sequence. It has been identified in 0.36% (24/6614) o f Finnish chromosomes by the Exome Aggregation Consortium (ExAC; dbSNP rs202020722).

Ambry Genetics
Classification: Likely benign for Inborn genetic diseases. Last evaluated: 2017-01-17. Review status: criteria provided, single submitter. Criteria: Ambry Variant Classification Scheme 2023. Collection method: clinical testing. Allele origin: germline.

PreventionGenetics, part of Exact Sciences
Classification: Likely benign for CHD7-related condition. Last evaluated: 2022-02-08. Review status: no assertion criteria provided. Collection method: clinical testing. Allele origin: germline. Not counted in ClinVar's aggregate classification.
Comment: This variant is classified as likely benign based on ACMG/AMP sequence variant interpretation guidelines (Richards et al. 2015 PMID: 25741868, with internal and published modifications).

NM_017780.4(CHD7):c.7551A>G (p.Lys2517=)

Gene: CHD7 (chromodomain helicase DNA binding protein 7; plus strand). Cytogenetic location: 8q12.2.
Variant type: single nucleotide variant.
Coding change: c.7551A>G on transcript NM_017780.4 (MANE Select); coding-DNA position 7551, A replaced by G.
Protein change: p.Lys2517=; no amino-acid change (lysine 2517 retained).
Molecular consequence: synonymous variant. On other transcripts: intron variant (1).
Genome position (GRCh38, 1-based): chr8:60,856,831, A>G. VCF-style: chr8-60856831-A-G. GRCh37 (hg19) VCF-style: chr8-61769390-A-G.
Other names: c.7551A>G (LRG_176t1); c.1717-5398A>G (NM_001316690.1).
Identifiers: ClinVar variation 363480 (VCV000363480.52), dbSNP rs202020722, ClinGen allele CA4760829.